The following is an entry in ClinVar:

ClinVar aggregate classification (germline): Pathogenic. Review status: criteria provided, multiple submitters, no conflicts (2 of 4 stars). 2 submissions from 2 submitters: Pathogenic (2). Last evaluated 2023-09-26.

Conditions:
Tuberous sclerosis 2 (TSC2). Identifiers: Orphanet 805, MedGen C1860707, MONDO:0013199, OMIM 613254.

Submissions (2):

Labcorp Genetics (formerly Invitae), Labcorp
Classification: Pathogenic for Tuberous sclerosis 2. Last evaluated: 2023-09-26. Review status: criteria provided, single submitter. Criteria: Invitae Variant Classification Sherloc (09022015). Collection method: clinical testing. Allele origin: germline.
Comment: This variant is also known as c.4425-2A>G. Disruption of this splice site has been observed in individual(s) with tuberous sclerosis complex (PMID: 28623545, 29432982). This variant is not present in population databases (gnomAD no frequency). This sequence change affects an acceptor splice site in intron 34 of the TSC2 gene. It is expected to disrupt RNA splicing. Variants that disrupt the donor or acceptor splice site typically lead to a loss of protein function (PMID: 16199547), and loss-of-function variants in TSC2 are known to be pathogenic (PMID: 10205261, 17304050). ClinVar contains an entry for this variant (Variation ID: 1256579). For these reasons, this variant has been classified as Pathogenic. Algorithms developed to predict the effect of sequence changes on RNA splicing suggest that this variant may disrupt the consensus splice site.

Athena Diagnostics
Classification: Pathogenic. Last evaluated: 2021-01-20. Review status: criteria provided, single submitter. Criteria: Athena Diagnostics criteria. Collection method: clinical testing. Allele origin: unknown.
Comment: This variant is expected to severely impact normal RNA splicing, and consequently, protein structure and/or function. This variant has not been reported in large, multi-ethnic general populations. This variant has been identified in at least one individual with clinical features associated with this gene.

Literature cited by the submitters: PubMed 28623545 (cited by Labcorp Genetics (formerly Invitae), Labcorp and Athena Diagnostics); PubMed 29432982 (cited by Labcorp Genetics (formerly Invitae), Labcorp and Athena Diagnostics); PubMed 16199547 (cited by Labcorp Genetics (formerly Invitae), Labcorp); PubMed 10205261 (cited by Labcorp Genetics (formerly Invitae), Labcorp); PubMed 17304050 (cited by Labcorp Genetics (formerly Invitae), Labcorp).

NM_000548.5(TSC2):c.4494-2A>G

Gene: TSC2 (TSC complex subunit 2; plus strand). Cytogenetic location: 16p13.3.
Variant type: single nucleotide variant.
Coding change: c.4494-2A>G on transcript NM_000548.5 (MANE Select); the canonical splice acceptor site of the intron before coding-DNA position 4494, A replaced by G.
Molecular consequence: splice acceptor variant.
Genome position (GRCh38, 1-based): chr16:2,084,949, A>G. VCF-style: chr16-2084949-A-G. GRCh37 (hg19) VCF-style: chr16-2134950-A-G.
Other names: c.4281-2A>G (NM_001406673.1); c.3834-2A>G (NM_001406681.1); c.4314-2A>G (NM_001406670.1); c.4185-2A>G (NM_001318827.2); c.4182-2A>G (NM_001406678.1); c.3825-2A>G (NM_001406682.1, NM_001406683.1); c.3822-2A>G (NM_001406684.1); c.3696-2A>G (NM_001406685.1, NM_001406686.1); and 26 more.
Identifiers: ClinVar variation 1256579 (VCV001256579.4), dbSNP rs397514990, ClinGen allele CA394302658.